The following is an entry in ClinVar:

ClinVar aggregate classification (germline): Uncertain significance (1 of 4 stars; one submission).

Conditions:
Dihydropteridine reductase deficiency (HPABH4C). Also called: BH4-Deficient Hyperphenylalaninemia C; HYPERPHENYLALANINEMIA, TETRAHYDROBIOPTERIN-DEFICIENT, DUE TO DHPR DEFICIENCY; QDPR DEFICIENCY; QUINOID DIHYDROPTERIDINE REDUCTASE DEFICIENCY; Phenylketonuria II; Hyperphenylalaninemia due to dihydropteridine reductase deficiency. Identifiers: Orphanet 226, Orphanet 238583, MedGen C0268465, MONDO:0009862, OMIM 261630.

Allele frequency attached by ClinVar (database versions not stated): ExAC 0.00001; gnomAD exomes below 0.00001.
gnomAD v4.1: 2 of 1,614,214 alleles (0.00012%); highest among the groups gnomAD compares: Admixed American, 0.0033%; no homozygotes.

Submission:

Labcorp Genetics (formerly Invitae), Labcorp
Classification: Uncertain significance for Dihydropteridine reductase deficiency. Last evaluated: 2020-12-11. Review status: criteria provided, single submitter. Criteria: Invitae Variant Classification Sherloc (09022015). Collection method: clinical testing. Allele origin: germline.
Comment: In summary, the available evidence is currently insufficient to determine the role of this variant in disease. Therefore, it has been classified as a Variant of Uncertain Significance. Algorithms developed to predict the effect of missense changes on protein structure and function (SIFT, PolyPhen-2, Align-GVGD) all suggest that this variant is likely to be disruptive, but these predictions have not been confirmed by published functional studies and their clinical significance is uncertain. This variant has not been reported in the literature in individuals with QDPR-related conditions. This variant is present in population databases (rs761568067, ExAC 0.009%). This sequence change replaces valine with alanine at codon 230 of the QDPR protein (p.Val230Ala). The valine residue is moderately conserved and there is a small physicochemical difference between valine and alanine.

NM_000320.3(QDPR):c.689T>C (p.Val230Ala)

Gene: QDPR (quinoid dihydropteridine reductase; minus strand). Cytogenetic location: 4p15.32.
Variant type: single nucleotide variant.
Coding change: c.689T>C on transcript NM_000320.3 (MANE Select); coding-DNA position 689, T replaced by C.
Protein change: p.Val230Ala; replaces valine 230 with alanine.
Molecular consequence: missense variant. On other transcripts: non-coding transcript variant (1).
Genome position (GRCh38, 1-based): chr4:17,487,177, A>G on the plus strand (T>C on the coding strand, the complement: QDPR is on the minus strand). VCF-style: chr4-17487177-A-G. GRCh37 (hg19) VCF-style: chr4-17488800-A-G.
Other names: c.596T>C, p.Val199Ala (NM_001306140.2); short protein forms V199A, V230A.
Identifiers: ClinVar variation 1492932 (VCV001492932.6), dbSNP rs761568067, ClinGen allele CA2868001.